The following is an entry in ClinVar:

NM_000123.4(ERCC5):c.2924A>G (p.Glu975Gly)

Genes: BIVM-ERCC5 (BIVM-ERCC5 readthrough; plus strand), ERCC5 (ERCC excision repair 5, endonuclease; plus strand). Cytogenetic location: 13q33.1.
Variant type: single nucleotide variant.
Coding change: c.2924A>G on transcript NM_000123.4 (MANE Select); coding-DNA position 2924, A replaced by G.
Protein change: p.Glu975Gly; replaces glutamic acid 975 with glycine.
Molecular consequence: missense variant.
Genome position (GRCh38, 1-based): chr13:102,873,303, A>G. VCF-style: chr13-102873303-A-G. GRCh37 (hg19) VCF-style: chr13-103525653-A-G.
Other names: c.4286A>G, p.Glu1429Gly (NM_001204425.2); short protein forms E1429G, E975G.
Identifiers: ClinVar variation 2698805 (VCV002698805.3), dbSNP rs2501609669, ClinGen allele CA388673536.
Genomic context (GRCh38, chr13:102,873,303, plus strand): 5'-TCTTAACTGCATGCATATTTTGTCAGCGGTATTTCGGCTGGAACAGAACGAAGACAGATG[A>G]ATCTCTGTTTCCTGTATTAAAGCAACTCGATGCCCAGCAGGTAATCATGGTGGACCCTTC-3'
Protein context (NP_000114.3, residues 965-985): YFGWNRTKTD[Glu975Gly]SLFPVLKQLD

ClinVar aggregate classification (germline): Uncertain significance (1 of 4 stars; one submission).

Submission:

Labcorp Genetics (formerly Invitae), Labcorp
Classification: Uncertain significance. Last evaluated: 2025-07-29. Review status: criteria provided, single submitter. Criteria: Invitae Variant Classification Sherloc (09022015). Collection method: clinical testing. Allele origin: germline.
Comment: This sequence change replaces glutamic acid, which is acidic and polar, with glycine, which is neutral and non-polar, at codon 975 of the ERCC5 protein (p.Glu975Gly). This variant is not present in population databases (gnomAD no frequency). This variant has not been reported in the literature in individuals affected with ERCC5-related conditions. ClinVar contains an entry for this variant (Variation ID: 2698805). An algorithm developed to predict the effect of missense changes on protein structure and function (PolyPhen-2) suggests that this variant is likely to be tolerated. In summary, the available evidence is currently insufficient to determine the role of this variant in disease. Therefore, it has been classified as a Variant of Uncertain Significance.